The following is an entry in ClinVar:

NM_004134.7(HSPA9):c.1914C>T (p.Ser638=)

Gene: HSPA9 (heat shock protein family A (Hsp70) member 9; minus strand). Cytogenetic location: 5q31.2.
Variant type: single nucleotide variant.
Coding change: c.1914C>T on transcript NM_004134.7 (MANE Select); coding-DNA position 1914, C replaced by T.
Protein change: p.Ser638=; no amino-acid change (serine 638 retained).
Molecular consequence: synonymous variant.
Genome position (GRCh38, 1-based): chr5:138,556,500, G>A on the plus strand (C>T on the coding strand, the complement: HSPA9 is on the minus strand). VCF-style: chr5-138556500-G-A. GRCh37 (hg19) VCF-style: chr5-137892189-G-A.
Identifiers: ClinVar variation 3052197 (VCV003052197.3), dbSNP rs147492888, ClinGen allele CA3430629.
Genomic context (GRCh38, chr5:138,556,500, plus strand): 5'-CAGCCCTTGTACCTTTTTGTATGCCATTTCGAACAGCTTCAGTGATGCCTGCTGAAGAGA[G>A]GATGCTGCCTGTCTAATATTTTCTCCTGTTTCGCTGTCTTTTCTAGCCAGGAGCTCCCTC-3'
Protein context (NP_004125.3, residues 628-648): ETGENIRQAA[Ser638=]SLQQASLKLF

ClinVar aggregate classification (germline): Likely benign. Review status: criteria provided, single submitter (1 of 4 stars). 2 submissions from 2 submitters: Likely benign (1). 1 of the submissions does not count toward it. Last evaluated 2024-09-16.

Conditions:
HSPA9-related disorder. Also called: HSPA9-related condition.

Allele frequency attached by ClinVar (database versions not stated): gnomAD exomes 0.00002; ExAC 0.00006; ESP Exome Variant Server 0.00008; 1000 Genomes Project 30x 0.00016; gnomAD 0.00019; 1000 Genomes Project 0.00020; TOPMed 0.00023.
gnomAD v4.1: 61 of 1,614,054 alleles (0.0038%); highest among the groups gnomAD compares: African/African-American, 0.072%; no homozygotes.

Submissions (2):

Blueprint Genetics
Classification: Likely benign. Last evaluated: 2024-09-16. Review status: criteria provided, single submitter. Criteria: ACMG Guidelines, 2015. Collection method: clinical testing. Allele origin: germline.

PreventionGenetics, part of Exact Sciences
Classification: Likely benign for HSPA9-related condition. Last evaluated: 2019-03-12. Review status: no assertion criteria provided. Collection method: clinical testing. Allele origin: germline. Not counted in ClinVar's aggregate classification.
Comment: This variant is classified as likely benign based on ACMG/AMP sequence variant interpretation guidelines (Richards et al. 2015 PMID: 25741868, with internal and published modifications).